The following is an entry in ClinVar:

ClinVar aggregate classification (germline): Uncertain significance (1 of 4 stars; one submission).

Conditions:
Hereditary cancer-predisposing syndrome. Also called: Hereditary Cancer Syndrome; Hereditary neoplastic syndrome; Neoplastic Syndromes, Hereditary; Tumor predisposition. Identifiers: Orphanet 140162, MedGen C0027672, MeSH D009386, MONDO:0015356.

Submission:

Ambry Genetics
Classification: Uncertain significance for Hereditary cancer-predisposing syndrome. Last evaluated: 2025-10-11. Review status: criteria provided, single submitter. Criteria: Ambry Variant Classification Scheme 2023. Collection method: clinical testing. Allele origin: germline.
Comment: The p.K454T variant (also known as c.1361A>C), located in coding exon 8 of the PDGFRA gene, results from an A to C substitution at nucleotide position 1361. The lysine at codon 454 is replaced by threonine, an amino acid with similar properties. This amino acid position is conserved. In addition, this alteration is predicted to be tolerated by in silico analysis. Since supporting evidence is limited at this time, the clinical significance of this alteration remains unclear.

NM_006206.6(PDGFRA):c.1361A>C (p.Lys454Thr)

Gene: PDGFRA (platelet derived growth factor receptor alpha; plus strand). Cytogenetic location: 4q12.
Variant type: single nucleotide variant.
Coding change: c.1361A>C on transcript NM_006206.6 (MANE Select); coding-DNA position 1361, A replaced by C.
Protein change: p.Lys454Thr; replaces lysine 454 with threonine.
Molecular consequence: missense variant.
Genome position (GRCh38, 1-based): chr4:54,272,517, A>C. VCF-style: chr4-54272517-A-C. GRCh37 (hg19) VCF-style: chr4-55138684-A-C.
Other names: c.1436A>C, p.Lys479Thr (NM_001347828.2); c.1361A>C, p.Lys454Thr (NM_001347827.2, NM_001347829.2); c.1400A>C, p.Lys467Thr (NM_001347830.2); short protein forms K479T, K454T, K467T.
Identifiers: ClinVar variation 1770840 (VCV001770840.3), dbSNP rs560971320, ClinGen allele CA356892391.